The following is an entry in ClinVar:

NM_002439.5(MSH3):c.3069C>G (p.His1023Gln)

Gene: MSH3 (mutS homolog 3; plus strand). Cytogenetic location: 5q14.1.
Variant type: single nucleotide variant.
Coding change: c.3069C>G on transcript NM_002439.5 (MANE Select); coding-DNA position 3069, C replaced by G.
Protein change: p.His1023Gln; replaces histidine 1023 with glutamine.
Molecular consequence: missense variant.
Genome position (GRCh38, 1-based): chr5:80,864,881, C>G. VCF-style: chr5-80864881-C-G. GRCh37 (hg19) VCF-style: chr5-80160700-C-G.
Other names: short protein forms H1023Q.
Identifiers: ClinVar variation 812035 (VCV000812035.16), dbSNP rs771861205, ClinGen allele CA3328439.
Genomic context (GRCh38, chr5:80,864,881, plus strand): 5'-CTTAACCCTGTTTGTCACCCATTATCCGCCAGTTTGTGAACTAGAAAAAAATTACTCACA[C>G]CAGGTGGGGAATTACCACATGGGATTCTTGGTCAGTGAGGATGAAAGCAAACTGGATCCA-3'
Protein context (NP_002430.3, residues 1013-1033): PVCELEKNYS[His1023Gln]QVGNYHMGFL

ClinVar aggregate classification (germline): Conflicting classifications of pathogenicity. Review status: criteria provided, conflicting classifications (1 of 4 stars). 3 submissions from 3 submitters: Uncertain significance (2); Likely benign (1). Last evaluated 2025-11-26.

Conditions:
Hereditary cancer-predisposing syndrome. Also called: Neoplastic Syndromes, Hereditary; Tumor predisposition; Hereditary neoplastic syndrome; Hereditary Cancer Syndrome. Identifiers: Orphanet 140162, MedGen C0027672, MeSH D009386, MONDO:0015356.

Allele frequency attached by ClinVar (database versions not stated): ExAC 0.00001; gnomAD exomes 0.00001 and 0.00002.
gnomAD v4.1: 23 of 1,613,384 alleles (0.0014%); highest among the groups gnomAD compares: Non-Finnish European, 0.0019%; no homozygotes.

Submissions (3):

Ambry Genetics
Classification: Likely benign for Hereditary cancer-predisposing syndrome. Last evaluated: 2025-11-26. Review status: criteria provided, single submitter. Criteria: Ambry Variant Classification Scheme 2023. Collection method: clinical testing. Allele origin: germline.

Labcorp Genetics (formerly Invitae), Labcorp
Classification: Uncertain significance. Last evaluated: 2024-11-13. Review status: criteria provided, single submitter. Criteria: Invitae Variant Classification Sherloc (09022015). Collection method: clinical testing. Allele origin: germline.
Comment: This sequence change replaces histidine, which is basic and polar, with glutamine, which is neutral and polar, at codon 1023 of the MSH3 protein (p.His1023Gln). This variant is present in population databases (rs771861205, gnomAD 0.0009%). This variant has not been reported in the literature in individuals affected with MSH3-related conditions. ClinVar contains an entry for this variant (Variation ID: 812035). An algorithm developed to predict the effect of missense changes on protein structure and function outputs the following: PolyPhen-2: "Benign". The glutamine amino acid residue is found in multiple mammalian species, which suggests that this missense change does not adversely affect protein function. In summary, the available evidence is currently insufficient to determine the role of this variant in disease. Therefore, it has been classified as a Variant of Uncertain Significance.

ARUP Laboratories, Molecular Genetics and Genomics, ARUP Laboratories
Classification: Uncertain significance. Last evaluated: 2019-06-06. Review status: criteria provided, single submitter. Criteria: ARUP Molecular Germline Variant Investigation Process. Collection method: clinical testing. Allele origin: germline.
Comment: The MSH3 c.3069C>G; p.His1023Gln variant (rs771861205), to our knowledge, is not reported in the medical literature or gene specific databases. This variant is only observed on two alleles in the Genome Aggregation Database, indicating it is not a common polymorphism. The histidine at codon 1023 is weakly conserved, and computational analyses (SIFT, PolyPhen-2) predict that this variant is tolerated. However, given the lack of clinical and functional data, the significance of this variant is uncertain at this time.